The following is an entry in ClinVar:

ClinVar aggregate classification (germline): Uncertain significance. Review status: criteria provided, multiple submitters, no conflicts (2 of 4 stars). 2 submissions from 2 submitters: Uncertain significance (2). Last evaluated 2024-11-12.

Conditions:
Emery-Dreifuss muscular dystrophy 5, autosomal dominant (EDMD5). Also called: EMERY-DREIFUSS MUSCULAR DYSTROPHY 5. Identifiers: Orphanet 261, MedGen C2751805, MONDO:0013072, OMIM 612999.

gnomAD v4.1: 3 of 1,614,036 alleles (0.00019%); highest among the groups gnomAD compares: African/African-American, 0.004%; no homozygotes.

Submissions (2):

Ambry Genetics
Classification: Uncertain significance. Last evaluated: 2024-11-12. Review status: criteria provided, single submitter. Criteria: Ambry Variant Classification Scheme 2023. Collection method: clinical testing. Allele origin: germline.

Labcorp Genetics (formerly Invitae), Labcorp
Classification: Uncertain significance for Emery-Dreifuss muscular dystrophy 5, autosomal dominant. Last evaluated: 2024-06-16. Review status: criteria provided, single submitter. Criteria: Invitae Variant Classification Sherloc (09022015). Collection method: clinical testing. Allele origin: germline.
Comment: This sequence change replaces serine, which is neutral and polar, with cysteine, which is neutral and slightly polar, at codon 4927 of the SYNE2 protein (p.Ser4927Cys). This variant is present in population databases (no rsID available, gnomAD 0.01%). This variant has not been reported in the literature in individuals affected with SYNE2-related conditions. An algorithm developed to predict the effect of missense changes on protein structure and function (PolyPhen-2) suggests that this variant is likely to be disruptive. In summary, the available evidence is currently insufficient to determine the role of this variant in disease. Therefore, it has been classified as a Variant of Uncertain Significance.

NM_182914.3(SYNE2):c.14780C>G (p.Ser4927Cys)

Gene: SYNE2 (spectrin repeat containing nuclear envelope protein 2; plus strand). Cytogenetic location: 14q23.2.
Variant type: single nucleotide variant.
Coding change: c.14780C>G on transcript NM_182914.3 (MANE Select); coding-DNA position 14780, C replaced by G.
Protein change: p.Ser4927Cys; replaces serine 4927 with cysteine.
Molecular consequence: missense variant.
Genome position (GRCh38, 1-based): chr14:64,137,920, C>G. VCF-style: chr14-64137920-C-G. GRCh37 (hg19) VCF-style: chr14-64604638-C-G.
Other names: c.14780C>G, p.Ser4927Cys (NM_015180.6); short protein forms S4927C.
Identifiers: ClinVar variation 3451927 (VCV003451927.3).
Genomic context (GRCh38, chr14:64,137,920, plus strand): 5'-CGTCTGTGAGCTGTCCTGAATTAGAGGGCCAGATCGCAAAACTGGAAGAGCAGTGGTTGT[C>G]CCTGAACAAGAAAATTGACCATGAGCTCCACAGGCTGCAAGCTCTTCTCAAGCATCTGCT-3'
Protein context (NP_878918.2, residues 4917-4937): QIAKLEEQWL[Ser4927Cys]LNKKIDHELH